The following is an entry in ClinVar:

ClinVar aggregate classification (germline): Conflicting classifications of pathogenicity. Review status: criteria provided, conflicting classifications (1 of 4 stars). 9 submissions from 5 submitters: Uncertain significance (4); Benign (1); Likely benign (4). Last evaluated 2025-11-08.

Conditions:
TTN-related disorder. Also called: TTN-related condition; TTN-related disease; TTN-related disorders.
Early-onset myopathy with fatal cardiomyopathy (CMYO5). Also called: Salih Myopathy; CONGENITAL MYOPATHY 5 WITH CARDIOMYOPATHY. Identifiers: Orphanet 289377, MedGen C2673677, MONDO:0012714, OMIM 611705. Disease mechanism: loss of function.
Myopathy, myofibrillar, 9, with early respiratory failure (MFM9). Also called: Hereditary myopathy with early respiratory failure; MYOPATHY, PROXIMAL, WITH EARLY RESPIRATORY MUSCLE INVOLVEMENT; EDSTROM MYOPATHY; Myopathy, distal, with early respiratory failure, autosomal dominant. Identifiers: Orphanet 178464, Orphanet 34521, MedGen C1863599, MONDO:0011362, OMIM 603689.
Dilated cardiomyopathy 1G (CMD1G). Identifiers: Orphanet 154, MedGen C1858763, MONDO:0011400, OMIM 604145.
Autosomal recessive limb-girdle muscular dystrophy type 2J (LGMDR10). Also called: Limb-girdle muscular dystrophy, type 2J; MUSCULAR DYSTROPHY, LIMB-GIRDLE, AUTOSOMAL RECESSIVE 10. Identifiers: Orphanet 140922, MedGen C1837342, MONDO:0012127, OMIM 608807.
Tibial muscular dystrophy (TMD). Also called: UDD MYOPATHY; Tibial muscular dystrophy, tardive; Udd Distal Myopathy – Tibial Muscular Dystrophy. Identifiers: Orphanet 609, MedGen C1838244, MONDO:0010870, OMIM 600334.

Allele frequency attached by ClinVar (database versions not stated): gnomAD 0.00004 and 0.00005; TOPMed 0.00004.
gnomAD v4.1: 81 of 1,591,794 alleles (0.0051%); highest among the groups gnomAD compares: Non-Finnish European, 0.0063%; 1 homozygote.

Submissions (9):

Labcorp Genetics (formerly Invitae), Labcorp
Classification: Likely benign for Dilated cardiomyopathy 1G; Autosomal recessive limb-girdle muscular dystrophy type 2J. Last evaluated: 2025-11-08. Review status: criteria provided, single submitter. Criteria: Invitae Variant Classification Sherloc (09022015). Collection method: clinical testing. Allele origin: germline.

PreventionGenetics, part of Exact Sciences
Classification: Likely benign for TTN-related condition. Last evaluated: 2025-07-19. Review status: criteria provided, single submitter. Criteria: ACMG Guidelines, 2015. Collection method: clinical testing. Allele origin: germline.
Comment: This variant is classified as likely benign based on ACMG/AMP sequence variant interpretation guidelines (Richards et al. 2015 PMID: 25741868, with internal and published modifications).

Illumina Laboratory Services, Illumina
Classification: Likely benign for Myopathy, myofibrillar, 9, with early respiratory failure. Last evaluated: 2018-01-13. Review status: criteria provided, single submitter. Criteria: ICSL Variant Classification Criteria 13 December 2019. Collection method: clinical testing. Allele origin: germline.
Comment: This variant was observed in the ICSL laboratory as part of a predisposition screen in an ostensibly healthy population. It had not been previously curated by ICSL or reported in the Human Gene Mutation Database (HGMD: prior to June 1st, 2018), and was therefore a candidate for classification through an automated scoring system. Utilizing variant allele frequency, disease prevalence and penetrance estimates, and inheritance mode, an automated score was calculated to assess if this variant is too frequent to cause the disease. Based on the score and internal cut-off values, a variant classified as likely benign is not then subjected to further curation. The score for this variant resulted in a classification of likely benign for this disease.

Illumina Laboratory Services, Illumina
Classification: Benign for Tibial muscular dystrophy. Last evaluated: 2018-01-13. Review status: criteria provided, single submitter. Criteria: ICSL Variant Classification Criteria 13 December 2019. Collection method: clinical testing. Allele origin: germline.
Comment: This variant was observed in the ICSL laboratory as part of a predisposition screen in an ostensibly healthy population. It had not been previously curated by ICSL or reported in the Human Gene Mutation Database (HGMD: prior to June 1st, 2018), and was therefore a candidate for classification through an automated scoring system. Utilizing variant allele frequency, disease prevalence and penetrance estimates, and inheritance mode, an automated score was calculated to assess if this variant is too frequent to cause the disease. Based on the score and internal cut-off values, a variant classified as benign is not then subjected to further curation. The score for this variant resulted in a classification of benign for this disease.

Illumina Laboratory Services, Illumina
Classification: Uncertain significance for Dilated cardiomyopathy 1G. Last evaluated: 2018-01-13. Review status: criteria provided, single submitter. Criteria: ICSL Variant Classification Criteria 13 December 2019. Collection method: clinical testing. Allele origin: germline.

Illumina Laboratory Services, Illumina
Classification: Uncertain significance for Early-onset myopathy with fatal cardiomyopathy. Last evaluated: 2018-01-13. Review status: criteria provided, single submitter. Criteria: ICSL Variant Classification Criteria 13 December 2019. Collection method: clinical testing. Allele origin: germline.

Illumina Laboratory Services, Illumina
Classification: Uncertain significance for Autosomal recessive limb-girdle muscular dystrophy type 2J. Last evaluated: 2018-01-13. Review status: criteria provided, single submitter. Criteria: ICSL Variant Classification Criteria 13 December 2019. Collection method: clinical testing. Allele origin: germline.

GeneDx
Classification: Likely benign. Last evaluated: 2016-12-22. Review status: criteria provided, single submitter. Criteria: GeneDx Variant Classification (06012015). Collection method: clinical testing. Allele origin: germline. Affected: yes.
Comment: This variant is considered likely benign or benign based on one or more of the following criteria: it is a conservative change, it occurs at a poorly conserved position in the protein, it is predicted to be benign by multiple in silico algorithms, and/or has population frequency not consistent with disease.

Eurofins Ntd Llc (ga)
Classification: Uncertain significance. Last evaluated: 2016-09-09. Review status: criteria provided, single submitter. Criteria: EGL Classification Definitions 2015. Collection method: clinical testing. Allele origin: germline. Observed: 1 variant allele, 1 heterozygote.

NM_001267550.2(TTN):c.31518C>T (p.Pro10506=)

Gene: TTN (titin; minus strand). Cytogenetic location: 2q31.2.
Variant type: single nucleotide variant.
Coding change: c.31518C>T on transcript NM_001267550.2 (MANE Select); coding-DNA position 31518, C replaced by T.
Protein change: p.Pro10506=; no amino-acid change (proline 10506 retained).
Molecular consequence: synonymous variant. On other transcripts: intron variant (3).
Genome position (GRCh38, 1-based): chr2:178,693,685, G>A on the plus strand (C>T on the coding strand, the complement: TTN is on the minus strand). VCF-style: chr2-178693685-G-A. GRCh37 (hg19) VCF-style: chr2-179558412-G-A.
Other names: c.30567C>T, p.Pro10189= (NM_001256850.1); c.27786C>T, p.Pro9262= (NM_133378.4); c.13282+44397C>T (NM_003319.4); c.13858+44397C>T (NM_133437.4); c.13657+44397C>T (NM_133432.3).
Identifiers: ClinVar variation 290072 (VCV000290072.19), dbSNP rs746912694, ClinGen allele CA1998924.